The following is an entry in ClinVar:

ClinVar aggregate classification (germline): Uncertain significance (1 of 4 stars; one submission).

Conditions:
Hereditary cancer-predisposing syndrome. Also called: Neoplastic Syndromes, Hereditary; Hereditary neoplastic syndrome; Tumor predisposition; Hereditary Cancer Syndrome. Identifiers: Orphanet 140162, MedGen C0027672, MeSH D009386, MONDO:0015356.

Submission:

Ambry Genetics
Classification: Uncertain significance for Hereditary cancer-predisposing syndrome. Last evaluated: 2026-01-19. Review status: criteria provided, single submitter. Criteria: Ambry Variant Classification Scheme 2023. Collection method: clinical testing. Allele origin: germline.
Comment: The p.S119A variant (also known as c.355T>G), located in coding exon 4 of the FANCC gene, results from a T to G substitution at nucleotide position 355. The serine at codon 119 is replaced by alanine, an amino acid with similar properties. This amino acid position is conserved. In addition, this alteration is predicted to be tolerated by in silico analysis. Based on the available evidence, the clinical significance of this variant remains unclear.

NM_000136.3(FANCC):c.355T>G (p.Ser119Ala)

Gene: FANCC (FA complementation group C; minus strand). Cytogenetic location: 9q22.32.
Variant type: single nucleotide variant.
Coding change: c.355T>G on transcript NM_000136.3 (MANE Select); coding-DNA position 355, T replaced by G.
Protein change: p.Ser119Ala; replaces serine 119 with alanine.
Molecular consequence: missense variant.
Genome position (GRCh38, 1-based): chr9:95,172,138, A>C on the plus strand (T>G on the coding strand, the complement: FANCC is on the minus strand). VCF-style: chr9-95172138-A-C. GRCh37 (hg19) VCF-style: chr9-97934420-A-C.
Other names: c.355T>G, p.Ser119Ala (NM_001243743.2, NM_001243744.2); short protein forms S119A.
Identifiers: ClinVar variation 4824315 (VCV004824315.1).